The following is an entry in ClinVar:

ClinVar aggregate classification (germline): Uncertain significance. Review status: criteria provided, multiple submitters, no conflicts (2 of 4 stars). 2 submissions from 2 submitters: Uncertain significance (2). Last evaluated 2024-05-12.

Conditions:
Joubert syndrome 5 (JBTS5). Identifiers: Orphanet 2318, MedGen C1857780, MONDO:0012432, OMIM 610188.
Senior-Loken syndrome 6 (SLSN6). Identifiers: Orphanet 3156, MedGen C1857779, MONDO:0012433, OMIM 610189.
Bardet-Biedl syndrome 14 (BBS14). Identifiers: Orphanet 110, MedGen C2673874, MONDO:0014442, OMIM 615991.
Leber congenital amaurosis 10 (LCA10). Identifiers: Orphanet 65, MedGen C1857821, MONDO:0012723, OMIM 611755.
Meckel syndrome, type 4 (MKS4). Also called: MECKEL-GRUBER SYNDROME, TYPE 4. Identifiers: Orphanet 564, MedGen C1970161, MONDO:0012626, OMIM 611134.
Joubert syndrome. Also called: CEREBELLOPARENCHYMAL DISORDER IV; JOUBERT-BOLTSHAUSER SYNDROME; Familial aplasia of the vermis. Identifiers: Orphanet 475, MedGen C5979921, MONDO:0018772.
Nephronophthisis. Also called: Juvenile Nephronophthisis. Identifiers: Orphanet 655, MedGen C0687120, MONDO:0019005, HP:0000090.
Meckel-Gruber syndrome. Also called: DYSENCEPHALIA SPLANCHNOCYSTICA; GRUBER SYNDROME; Dysencephalia splachnocystica. Identifiers: Orphanet 564, MedGen C0265215, MONDO:0018921.

Allele frequency attached by ClinVar (database versions not stated): gnomAD 0.00003; TOPMed 0.00004.
gnomAD v4.1: 9 of 1,561,830 alleles (0.00058%); highest among the groups gnomAD compares: African/African-American, 0.011%; no homozygotes.

Submissions (2):

Fulgent Genetics
Classification: Uncertain significance for Joubert syndrome 5; Senior-Loken syndrome 6; Meckel syndrome, type 4; Leber congenital amaurosis 10; Bardet-Biedl syndrome 14. Last evaluated: 2024-05-12. Review status: criteria provided, single submitter. Criteria: ACMG Guidelines, 2015. Collection method: clinical testing. Allele origin: germline.

Labcorp Genetics (formerly Invitae), Labcorp
Classification: Uncertain significance for Joubert syndrome; Meckel-Gruber syndrome; Nephronophthisis. Last evaluated: 2022-06-17. Review status: criteria provided, single submitter. Criteria: Invitae Variant Classification Sherloc (09022015). Collection method: clinical testing. Allele origin: germline.
Comment: This sequence change replaces valine, which is neutral and non-polar, with alanine, which is neutral and non-polar, at codon 1180 of the CEP290 protein (p.Val1180Ala). This variant is not present in population databases (gnomAD no frequency). This variant has not been reported in the literature in individuals affected with CEP290-related conditions. Algorithms developed to predict the effect of missense changes on protein structure and function output the following: SIFT: "Tolerated"; PolyPhen-2: "Benign"; Align-GVGD: "Class C0". The alanine amino acid residue is found in multiple mammalian species, which suggests that this missense change does not adversely affect protein function. In summary, the available evidence is currently insufficient to determine the role of this variant in disease. Therefore, it has been classified as a Variant of Uncertain Significance.

NM_025114.4(CEP290):c.3539T>C (p.Val1180Ala)

Gene: CEP290 (centrosomal protein 290; minus strand). Cytogenetic location: 12q21.32.
Variant type: single nucleotide variant.
Coding change: c.3539T>C on transcript NM_025114.4 (MANE Select); coding-DNA position 3539, T replaced by C.
Protein change: p.Val1180Ala; replaces valine 1180 with alanine.
Molecular consequence: missense variant.
Genome position (GRCh38, 1-based): chr12:88,090,762, A>G on the plus strand (T>C on the coding strand, the complement: CEP290 is on the minus strand). VCF-style: chr12-88090762-A-G. GRCh37 (hg19) VCF-style: chr12-88484539-A-G.
Other names: short protein forms V1180A.
Identifiers: ClinVar variation 2052294 (VCV002052294.2), dbSNP rs996255630, ClinGen allele CA241165933.